The following is an entry in ClinVar:

NM_178452.6(DNAAF1):c.575-1G>C

Gene: DNAAF1 (dynein axonemal assembly factor 1; plus strand). Cytogenetic location: 16q24.1.
Variant type: single nucleotide variant.
Coding change: c.575-1G>C on transcript NM_178452.6 (MANE Select); the canonical splice acceptor site of the intron before coding-DNA position 575, G replaced by C.
Molecular consequence: splice acceptor variant.
Genome position (GRCh38, 1-based): chr16:84,155,582, G>C. VCF-style: chr16-84155582-G-C. GRCh37 (hg19) VCF-style: chr16-84189187-G-C.
Identifiers: ClinVar variation 3034018 (VCV003034018.2), dbSNP rs1304533019, ClinGen allele CA396943440.

ClinVar aggregate classification (germline): Likely pathogenic (0 of 4 stars; one submission).

Conditions:
DNAAF1-related disorder. Also called: DNAAF1-related condition.

Allele frequency attached by ClinVar (database versions not stated): gnomAD exomes below 0.00001.
gnomAD v4.1: 2 of 1,613,934 alleles (0.00012%); highest among the groups gnomAD compares: South Asian, 0.0011%; no homozygotes.

Submission:

PreventionGenetics, part of Exact Sciences
Classification: Likely pathogenic for DNAAF1-related condition. Last evaluated: 2023-12-14. Review status: no assertion criteria provided. Collection method: clinical testing. Allele origin: germline.
Comment: The DNAAF1 c.575-1G>C variant is predicted to disrupt the AG splice acceptor site and interfere with normal splicing. To our knowledge, this variant has not been reported in the literature. This variant is reported in 0.0033% of alleles in individuals of South Asian descent in gnomAD. Variants that disrupt the consensus splice acceptor site in DNAAF1 are expected to be pathogenic. This variant is interpreted as likely pathogenic.